The following is an entry in ClinVar:

NM_000368.5(TSC1):c.3286T>C (p.Phe1096Leu)

Gene: TSC1 (TSC complex subunit 1; minus strand). Cytogenetic location: 9q34.13.
Variant type: single nucleotide variant.
Coding change: c.3286T>C on transcript NM_000368.5 (MANE Select); coding-DNA position 3286, T replaced by C.
Protein change: p.Phe1096Leu; replaces phenylalanine 1096 with leucine.
Molecular consequence: missense variant. On other transcripts: non-coding transcript variant (5).
Genome position (GRCh38, 1-based): chr9:132,896,444, A>G on the plus strand (T>C on the coding strand, the complement: TSC1 is on the minus strand). VCF-style: chr9-132896444-A-G. GRCh37 (hg19) VCF-style: chr9-135771831-A-G.
Other names: c.3283T>C, p.Phe1095Leu (NM_001162426.2, NM_001406597.1, NM_001406598.1 and 2 more transcripts); c.3133T>C, p.Phe1045Leu (NM_001162427.2, NM_001406610.1); c.2923T>C, p.Phe975Leu (NM_001362177.2, NM_001406614.1, NM_001406615.1 and 4 more transcripts); c.3286T>C, p.Phe1096Leu (NM_001406592.1, NM_001406593.1, NM_001406594.1 and 2 more transcripts); c.3271T>C, p.Phe1091Leu (NM_001406601.1, NM_001406602.1); c.3268T>C, p.Phe1090Leu (NM_001406603.1, NM_001406604.1); c.3244T>C, p.Phe1082Leu (NM_001406605.1, NM_001406606.1, NM_001406607.1); c.3241T>C, p.Phe1081Leu (NM_001406608.1, NM_001406609.1); and 8 more; short protein forms F745L, F961L, F974L, F1030L, F1044L, F1081L, F778L, F975L.
Identifiers: ClinVar variation 3462439 (VCV003462439.3).
Genomic context (GRCh38, chr9:132,896,444, plus strand): 5'-TCTCAGAAAGGCTACTGGTCATGCCGTCCTCATCACACTGGCTCTCGCTCTTATTACGAA[A>G]TAACTCTCGAGCCTTCATACCCAGGAAGCTTTTTGAACTGGGAAGTGAGCCCACAGTGGT-3'
Protein context (NP_000359.1, residues 1086-1106): SFLGMKAREL[Phe1096Leu]RNKSESQCDE

ClinVar aggregate classification (germline): Uncertain significance. Review status: criteria provided, multiple submitters, no conflicts (2 of 4 stars). 2 submissions from 2 submitters: Uncertain significance (2). Last evaluated 2024-08-04.

Conditions:
Tuberous sclerosis 1 (TSC1). Identifiers: Orphanet 805, MedGen C1854465, MONDO:0008612, OMIM 191100.
Hereditary cancer-predisposing syndrome. Also called: Hereditary Cancer Syndrome; Hereditary neoplastic syndrome; Neoplastic Syndromes, Hereditary; Tumor predisposition. Identifiers: Orphanet 140162, MedGen C0027672, MeSH D009386, MONDO:0015356.

gnomAD v4.1: 1 of 1,614,156 alleles (0.000062%); highest among the groups gnomAD compares: Non-Finnish European, 0.000085%; no homozygotes.

Submissions (2):

Labcorp Genetics (formerly Invitae), Labcorp
Classification: Uncertain significance for Tuberous sclerosis 1. Last evaluated: 2024-08-04. Review status: criteria provided, single submitter. Criteria: Invitae Variant Classification Sherloc (09022015). Collection method: clinical testing. Allele origin: germline.
Comment: This sequence change replaces phenylalanine, which is neutral and non-polar, with leucine, which is neutral and non-polar, at codon 1096 of the TSC1 protein (p.Phe1096Leu). This variant is not present in population databases (gnomAD no frequency). This variant has not been reported in the literature in individuals affected with TSC1-related conditions. Advanced modeling of protein sequence and biophysical properties (such as structural, functional, and spatial information, amino acid conservation, physicochemical variation, residue mobility, and thermodynamic stability) performed at Invitae indicates that this missense variant is not expected to disrupt TSC1 protein function with a negative predictive value of 95%. In summary, the available evidence is currently insufficient to determine the role of this variant in disease. Therefore, it has been classified as a Variant of Uncertain Significance.

Ambry Genetics
Classification: Uncertain significance for Hereditary cancer-predisposing syndrome. Last evaluated: 2024-07-06. Review status: criteria provided, single submitter. Criteria: Ambry Variant Classification Scheme 2023. Collection method: clinical testing. Allele origin: germline.
Comment: The p.F1096L variant (also known as c.3286T>C), located in coding exon 21 of the TSC1 gene, results from a T to C substitution at nucleotide position 3286. The phenylalanine at codon 1096 is replaced by leucine, an amino acid with highly similar properties. This amino acid position is highly conserved in available vertebrate species. In addition, the in silico prediction for this alteration is inconclusive. Based on the available evidence, the clinical significance of this variant remains unclear.